The following is an entry in ClinVar:

ClinVar aggregate classification (germline): Pathogenic (1 of 4 stars; one submission).

Submission:

Labcorp Genetics (formerly Invitae), Labcorp
Classification: Pathogenic. Last evaluated: 2025-01-02. Review status: criteria provided, single submitter. Criteria: Invitae Variant Classification Sherloc (09022015). Collection method: clinical testing. Allele origin: germline.
Comment: This sequence change creates a premature translational stop signal (p.Tyr86Argfs*57) in the GP6 gene. It is expected to result in an absent or disrupted protein product. Loss-of-function variants in GP6 are known to be pathogenic (PMID: 16139873, 23815599). This variant is not present in population databases (gnomAD no frequency). This variant has not been reported in the literature in individuals affected with GP6-related conditions. For these reasons, this variant has been classified as Pathogenic.

Literature cited by the submitters: PubMed 16139873; PubMed 23815599.

NM_016363.5(GP6):c.254_255insTAGG (p.Tyr86fs)

Gene: GP6 (glycoprotein VI platelet; minus strand). Cytogenetic location: 19q13.42.
Variant type: Insertion.
Coding change: c.254_255insTAGG on transcript NM_016363.5 (MANE Select); coding-DNA positions 254 to 255, TAGG inserted.
Protein change: p.Tyr86fs; shifts the reading frame from tyrosine 86.
Molecular consequence: frameshift variant.
Genome position: GRCh38 VCF-style: chr19-55032209-G-GCCTA. GRCh37 (hg19) VCF-style: chr19-55543577-G-GCCTA.
Other names: c.254_255insTAGG, p.Tyr86fs (NM_001083899.2, NM_001256017.2); short protein forms Y86fs.
Identifiers: ClinVar variation 3674675 (VCV003674675.2).